The following is an entry in ClinVar:

NM_001256789.3(CACNA1F):c.2848G>A (p.Ala950Thr)

Gene: CACNA1F (calcium voltage-gated channel subunit alpha1 F; minus strand). Cytogenetic location: Xp11.23.
Variant type: single nucleotide variant.
Coding change: c.2848G>A on transcript NM_001256789.3 (MANE Select); coding-DNA position 2848, G replaced by A.
Protein change: p.Ala950Thr; replaces alanine 950 with threonine.
Molecular consequence: missense variant.
Genome position (GRCh38, 1-based): chrX:49,218,535, C>T on the plus strand (G>A on the coding strand, the complement: CACNA1F is on the minus strand). VCF-style: chrX-49218535-C-T. GRCh37 (hg19) VCF-style: chrX-49074994-C-T.
Other names: c.2686G>A, p.Ala896Thr (NM_001256790.3); c.2881G>A, p.Ala961Thr (NM_005183.4); c.2881G>A (NM_005183.2); short protein forms A896T, A950T, A961T.
Identifiers: ClinVar variation 1284373 (VCV001284373.11), dbSNP rs369730240, ClinGen allele CA10410587.

ClinVar aggregate classification (germline): Uncertain significance. Review status: criteria provided, multiple submitters, no conflicts (2 of 4 stars). 5 submissions from 5 submitters: Uncertain significance (3). 2 of the submissions do not count toward it. Last evaluated 2025-06-17.

Conditions:
Inborn genetic diseases. Identifiers: MedGen C0950123, MeSH D030342.

Allele frequency attached by ClinVar (database versions not stated): gnomAD exomes 0.00003; ExAC 0.00004; TOPMed 0.00004; gnomAD 0.00006; ESP Exome Variant Server 0.00009.

Submissions (5):

Labcorp Genetics (formerly Invitae), Labcorp
Classification: Uncertain significance. Last evaluated: 2025-06-17. Review status: criteria provided, single submitter. Criteria: Invitae Variant Classification Sherloc (09022015). Collection method: clinical testing. Allele origin: germline.
Comment: This sequence change replaces alanine, which is neutral and non-polar, with threonine, which is neutral and polar, at codon 961 of the CACNA1F protein (p.Ala961Thr). The frequency data for this variant in the population databases is considered unreliable, as metrics indicate poor data quality at this position in the gnomAD database. This variant has not been reported in the literature in individuals affected with CACNA1F-related conditions. ClinVar contains an entry for this variant (Variation ID: 1284373). Invitae Evidence Modeling of protein sequence and biophysical properties (such as structural, functional, and spatial information, amino acid conservation, physicochemical variation, residue mobility, and thermodynamic stability) indicates that this missense variant is not expected to disrupt CACNA1F protein function with a negative predictive value of 80%. In summary, the available evidence is currently insufficient to determine the role of this variant in disease. Therefore, it has been classified as a Variant of Uncertain Significance.

Blueprint Genetics
Classification: Uncertain significance. Last evaluated: 2024-03-23. Review status: criteria provided, single submitter. Criteria: ACMG Guidelines, 2015. Collection method: clinical testing. Allele origin: germline.

Ambry Genetics
Classification: Uncertain significance for Inborn genetic diseases. Last evaluated: 2022-11-17. Review status: criteria provided, single submitter. Criteria: Ambry Variant Classification Scheme 2023. Collection method: clinical testing. Allele origin: germline.

Clinical Genetics DNA and cytogenetics Diagnostics Lab, Erasmus MC, Erasmus Medical Center
Classification: Uncertain significance. Review status: no assertion criteria provided. Collection method: clinical testing. Allele origin: germline. Affected: yes. Study: VKGL Data-share Consensus. Not counted in ClinVar's aggregate classification.

Clinical Genetics, Academic Medical Center
Classification: Uncertain significance. Review status: no assertion criteria provided. Collection method: clinical testing. Allele origin: germline. Affected: yes. Study: VKGL Data-share Consensus. Not counted in ClinVar's aggregate classification.